The following is an entry in ClinVar:

ClinVar aggregate classification (germline): Uncertain significance (1 of 4 stars; one submission).

Conditions:
Chilton-Okur-Chung neurodevelopmental syndrome (CHOCNS). Identifiers: MedGen C5677022, MONDO:0859239, OMIM 619841.

Submission:

3billion
Classification: Uncertain significance for Chilton-Okur-Chung neurodevelopmental syndrome. Last evaluated: 2025-08-13. Review status: criteria provided, single submitter. Criteria: ACMG Guidelines, 2015. Collection method: clinical testing. Allele origin: germline. Affected: yes.
Comment: The variant is not observed in the gnomAD v4.1.0 dataset. Predicted Consequence/Location: Inframe insertion located in a nonrepeat region: predicted to change the length of the protein and disrupt normal protein function. Therefore, this variant is classified as VUS according to the recommendation of ACMG/AMP guideline.

NM_006035.4(CDC42BPB):c.1627GAG[3] (p.Glu544_Leu545insGlu)

Gene: CDC42BPB (CDC42 binding protein kinase beta; minus strand). Cytogenetic location: 14q32.32.
Variant type: Microsatellite.
Coding change: c.1627GAG[3] on transcript NM_006035.4 (MANE Select); three copies in a row of the 3-base unit GAG starting at c.1627; the reference has two copies in a row; one copy, 3 bases duplicated; also written c.1630_1632dup.
Protein change: p.Glu544_Leu545insGlu.
Molecular consequence: inframe insertion.
Genome position (GRCh38, 1-based): chr14:102,974,025-102,974,027, CTC duplicated on the plus strand (GAG on the coding strand, the reverse complement: CDC42BPB is on the minus strand); duplicating any 3 consecutive bases within chr14:102,974,025-102,974,032 gives the same sequence; the position shown is the placement nearest the transcript's 3' end. VCF-style (leftmost placement, unchanged base first): chr14-102974024-G-GCTC. GRCh37 (hg19) VCF-style: chr14-103440361-G-GCTC.
Other names: c.1630_1632dup (NM_006035.4); c.1627GAG[3], p.Glu544_Leu545insGlu (NM_001411054.1).
Identifiers: ClinVar variation 4856127 (VCV004856127.1).
Genomic context (GRCh38, chr14:102,974,024, plus strand): 5'-AGAATTCTGCAAAGTCCCGTAAGCCTTTCTCACCCCAAACTGAGCCACCTACCTTGTGCA[G>GCTC]CTCCTCCTTCTCCTGCCGGACCACGCGGTGCTGCTTCTCCAGCCCCCGCAGCCGCTGCGT-3'